The following is an entry in ClinVar:

NM_021083.4(XK):c.1041C>A (p.Cys347Ter)

Gene: XK (X-linked Kx blood group antigen, Kell and VPS13A binding protein; plus strand). Cytogenetic location: Xp21.1.
Variant type: single nucleotide variant.
Coding change: c.1041C>A on transcript NM_021083.4 (MANE Select); coding-DNA position 1041, C replaced by A.
Protein change: p.Cys347Ter; replaces cysteine 347 with a stop codon.
Molecular consequence: nonsense.
Genome position (GRCh38, 1-based): chrX:37,728,168, C>A. VCF-style: chrX-37728168-C-A. GRCh37 (hg19) VCF-style: chrX-37587421-C-A.
Other names: short protein forms C347*.
Identifiers: ClinVar variation 5041817 (VCV005041817.1).

ClinVar aggregate classification (germline): Likely pathogenic (1 of 4 stars; one submission).

Submission:

CeGaT Center for Human Genetics Tuebingen
Classification: Likely pathogenic. Last evaluated: 2026-09-01. Review status: criteria provided, single submitter. Criteria: CeGaT Center For Human Genetics Tuebingen Variant Classification Criteria Version 2. Collection method: clinical testing. Allele origin: germline. Affected: yes. Observed: 1 variant allele.
Comment: XK: PVS1:Strong, PM2